The following is an entry in ClinVar:

ClinVar aggregate classification (germline): Uncertain significance. Review status: criteria provided, multiple submitters, no conflicts (2 of 4 stars). 4 submissions from 3 submitters: Uncertain significance (4). Last evaluated 2026-02-16.

Conditions:
Hereditary spherocytosis type 1. Also called: Spherocytosis type 1; ANK1-Related Spherocytosis. Identifiers: Orphanet 822, MedGen C2674218, MONDO:0008447, OMIM 182900.
Spherocytosis. Identifiers: MedGen C0553720, HP:0004444.
Inborn genetic diseases. Identifiers: MedGen C0950123, MeSH D030342.

Allele frequency attached by ClinVar (database versions not stated): TOPMed 0.00003; gnomAD 0.00003; ESP Exome Variant Server 0.00008.
gnomAD v4.1: 59 of 1,614,120 alleles (0.0037%); highest among the groups gnomAD compares: Admixed American, 0.015%; no homozygotes.

Submissions (4):

Ambry Genetics
Classification: Uncertain significance for Inborn genetic diseases. Last evaluated: 2026-02-16. Review status: criteria provided, single submitter. Criteria: Ambry Variant Classification Scheme 2023. Collection method: clinical testing. Allele origin: germline.
Comment: The c.1415C>T (p.T472I) alteration is located in exon 14 (coding exon 14) of the ANK1 gene. This alteration results from a C to T substitution at nucleotide position 1415, causing the threonine (T) at amino acid position 472 to be replaced by an isoleucine (I). Based on data from gnomAD, the T allele has an overall frequency of 0.006% (16/282846) total alleles studied. The highest observed frequency was 0.042% (3/7228) of Other alleles. Based on insufficient or conflicting evidence, the clinical significance of this alteration remains unclear.

Revvity Omics, Revvity
Classification: Uncertain significance for Hereditary spherocytosis type 1. Last evaluated: 2023-03-21. Review status: criteria provided, single submitter. Criteria: ACMG Guidelines, 2015. Collection method: clinical testing. Allele origin: germline.

Illumina Laboratory Services, Illumina
Classification: Uncertain significance for Hereditary spherocytosis type 1. Last evaluated: 2018-01-13. Review status: criteria provided, single submitter. Criteria: ICSL Variant Classification Criteria 13 December 2019. Collection method: clinical testing. Allele origin: germline.

Illumina Laboratory Services, Illumina
Classification: Uncertain significance for Spherocytosis. Last evaluated: 2018-01-13. Review status: criteria provided, single submitter. Criteria: ICSL Variant Classification Criteria 13 December 2019. Collection method: clinical testing. Allele origin: germline.

NM_000037.4(ANK1):c.1415C>T (p.Thr472Ile)

Gene: ANK1 (ankyrin 1; minus strand). Cytogenetic location: 8p11.21.
Variant type: single nucleotide variant.
Coding change: c.1415C>T on transcript NM_000037.4 (MANE Select); coding-DNA position 1415, C replaced by T.
Protein change: p.Thr472Ile; replaces threonine 472 with isoleucine.
Molecular consequence: missense variant.
Genome position (GRCh38, 1-based): chr8:41,715,839, G>A on the plus strand (C>T on the coding strand, the complement: ANK1 is on the minus strand). VCF-style: chr8-41715839-G-A. GRCh37 (hg19) VCF-style: chr8-41573357-G-A.
Other names: c.1514C>T, p.Thr505Ile (NM_001142446.2); c.1415C>T, p.Thr472Ile (NM_020475.3, NM_020476.3, NM_020477.3); short protein forms T505I, T472I.
Identifiers: ClinVar variation 363029 (VCV000363029.10), dbSNP rs150655828, ClinGen allele CA4728622.